The following is an entry in ClinVar:

NM_001002295.2(GATA3):c.695del (p.Gly232fs)

Gene: GATA3 (GATA binding protein 3; plus strand). Cytogenetic location: 10p14.
Variant type: Deletion.
Coding change: c.695del on transcript NM_001002295.2 (MANE Select); coding-DNA position 695, one base deleted (G; older notation c.695delG).
Protein change: p.Gly232fs; shifts the reading frame from glycine 232.
Molecular consequence: frameshift variant.
Genome position (GRCh38, 1-based): chr10:8,058,758, G deleted; the last of 2 consecutive G bases (chr10:8,058,757-8,058,758); deleting either gives the same sequence. VCF-style (leftmost placement, unchanged base first): chr10-8058756-CG-C. GRCh37 (hg19) VCF-style: chr10-8100719-CG-C.
Other names: c.695del, p.Gly232fs (NM_002051.3); short protein forms G232fs.
Identifiers: ClinVar variation 3723215 (VCV003723215.2).

ClinVar aggregate classification (germline): Pathogenic (1 of 4 stars; one submission).

Submission:

Labcorp Genetics (formerly Invitae), Labcorp
Classification: Pathogenic. Last evaluated: 2024-10-17. Review status: criteria provided, single submitter. Criteria: Invitae Variant Classification Sherloc (09022015). Collection method: clinical testing. Allele origin: germline.
Comment: This sequence change creates a premature translational stop signal (p.Gly232Aspfs*34) in the GATA3 gene. It is expected to result in an absent or disrupted protein product. Loss-of-function variants in GATA3 are known to be pathogenic (PMID: 14985365, 21242646). This variant is not present in population databases (gnomAD no frequency). This variant has not been reported in the literature in individuals affected with GATA3-related conditions. For these reasons, this variant has been classified as Pathogenic.

Literature cited by the submitters: PubMed 14985365; PubMed 21242646.